The following is an entry in ClinVar:

ClinVar aggregate classification (germline): Likely pathogenic (1 of 4 stars; one submission).

Conditions:
Intellectual developmental disorder, autosomal dominant 56. Also called: MENTAL RETARDATION, AUTOSOMAL DOMINANT 56; Intellectual disability, autosomal dominant 56. Identifiers: MedGen C4693389, MONDO:0030922, OMIM 617854.

Submission:

Clinical Genomics Laboratory, Washington University in St. Louis
Classification: Likely pathogenic for Intellectual developmental disorder, autosomal dominant 56. Last evaluated: 2025-05-09. Review status: criteria provided, single submitter. Criteria: ACMG Guidelines, 2015. Collection method: clinical testing. Allele origin: germline. Affected: yes.
Comment: The CLTC c.339G>A (p.Trp113*) variant, to our knowledge, has not been reported in the medical literature. This variant is absent from the general population (gnomAD v.4.1.1), indicating it is not a common variant. This is a nonsense variant, which is predicted to lead to nonsense-mediated decay. Based on available information and the ACMG/AMP guidelines for variant interpretation (Richards S et al., PMID: 25741868), this variant is classified as likely pathogenic.

NM_004859.4(CLTC):c.339G>A (p.Trp113Ter)

Gene: CLTC (clathrin heavy chain; plus strand). Cytogenetic location: 17q23.1.
Variant type: single nucleotide variant.
Coding change: c.339G>A on transcript NM_004859.4 (MANE Select); coding-DNA position 339, G replaced by A.
Protein change: p.Trp113Ter; replaces tryptophan 113 with a stop codon.
Molecular consequence: nonsense.
Genome position (GRCh38, 1-based): chr17:59,647,486, G>A. VCF-style: chr17-59647486-G-A. GRCh37 (hg19) VCF-style: chr17-57724847-G-A.
Other names: c.351G>A, p.Trp117Ter (NM_001288653.2); short protein forms W113*, W117*.
Identifiers: ClinVar variation 4279760 (VCV004279760.1).
Genomic context (GRCh38, chr17:59,647,486, plus strand): 5'-TGAAATGAAAAGTAAAATGAAGGCTCATACCATGACTGATGATGTCACCTTTTGGAAATG[G>A]ATCTCTTTGAATACGGTTGCTCTTGTTACGGATAATGCAGTTTATCACTGGAGTATGGAA-3'